The following is an entry in ClinVar:

ClinVar aggregate classification (germline): Pathogenic (1 of 4 stars; one submission).

Conditions:
Familial cancer of breast. Also called: Hereditary breast cancer; BREAST CANCER, FAMILIAL; hereditary breast carcinoma. Identifiers: Orphanet 227535, MedGen C0346153, MONDO:0016419, OMIM 114480. Disease mechanism: loss of function.

Submission:

Labcorp Genetics (formerly Invitae), Labcorp
Classification: Pathogenic for Familial cancer of breast. Last evaluated: 2023-10-23. Review status: criteria provided, single submitter. Criteria: Invitae Variant Classification Sherloc (09022015). Collection method: clinical testing. Allele origin: germline.
Comment: This sequence change creates a premature translational stop signal (p.Leu319Argfs*30) in the CHEK2 gene. It is expected to result in an absent or disrupted protein product. Loss-of-function variants in CHEK2 are known to be pathogenic (PMID: 21876083, 24713400). This variant is not present in population databases (gnomAD no frequency). This variant has not been reported in the literature in individuals affected with CHEK2-related conditions. For these reasons, this variant has been classified as Pathogenic.

Literature cited by the submitters: PubMed 21876083; PubMed 24713400.

NM_007194.4(CHEK2):c.956del (p.Leu319fs)

Gene: CHEK2 (checkpoint kinase 2; minus strand). Cytogenetic location: 22q12.1.
Variant type: Deletion.
Coding change: c.956del on transcript NM_007194.4 (MANE Select); coding-DNA position 956, one base deleted (T; older notation c.956delT).
Protein change: p.Leu319fs; shifts the reading frame from leucine 319.
Molecular consequence: frameshift variant.
Genome position (GRCh38, 1-based): chr22:28,699,890, A deleted on the plus strand (T on the coding strand, the reverse complement: CHEK2 is on the minus strand). VCF-style (leftmost placement, unchanged base first): chr22-28699889-CA-C. GRCh37 (hg19) VCF-style: chr22-29095877-CA-C.
Other names: c.1085delT, p.Leu362Argfs (NM_001005735.3); c.293delT, p.Leu98Argfs (NM_001257387.3); c.755delT, p.Leu252Argfs (NM_001349956.3); c.956delT, p.Leu319Argfs (NM_145862.3); short protein forms L362fs, L98fs, L252fs, L319fs.
Identifiers: ClinVar variation 2768229 (VCV002768229.3), dbSNP rs2517849270, ClinGen allele CA2655953362.